The following is an entry in ClinVar:

ClinVar aggregate classification (germline): Uncertain significance (1 of 4 stars; one submission).

Conditions:
RPS26-related disorder. Also called: RPS26-related condition.

Submission:

PreventionGenetics, part of Exact Sciences
Classification: Uncertain significance for RPS26-related condition. Last evaluated: 2023-03-07. Review status: criteria provided, single submitter. Criteria: ACMG Guidelines, 2015. Collection method: clinical testing. Allele origin: germline.
Comment: The RPS26 c.79G>T variant is predicted to result in the amino acid substitution p.Ala27Ser. To our knowledge, this variant has not been reported in the literature or in a large population database, indicating this variant is rare. At this time, the clinical significance of this variant is uncertain due to the absence of conclusive functional and genetic evidence.

NM_001029.5(RPS26):c.79G>T (p.Ala27Ser)

Gene: RPS26 (ribosomal protein S26; plus strand). Cytogenetic location: 12q13.2.
Variant type: single nucleotide variant.
Coding change: c.79G>T on transcript NM_001029.5 (MANE Select); coding-DNA position 79, G replaced by T.
Protein change: p.Ala27Ser; replaces alanine 27 with serine.
Molecular consequence: missense variant.
Genome position (GRCh38, 1-based): chr12:56,042,500, G>T. VCF-style: chr12-56042500-G-T. GRCh37 (hg19) VCF-style: chr12-56436284-G-T.
Other names: short protein forms A27S.
Identifiers: ClinVar variation 2633840 (VCV002633840.1), dbSNP rs2540722827, ClinGen allele CA385326423.